The following is an entry in ClinVar:

NM_001283009.2(RTEL1):c.1723G>A (p.Ala575Thr)

Genes: RTEL1 (regulator of telomere elongation helicase 1; plus strand), RTEL1-TNFRSF6B (RTEL1-TNFRSF6B readthrough (NMD candidate); plus strand). Cytogenetic location: 20q13.33.
Variant type: single nucleotide variant.
Coding change: c.1723G>A on transcript NM_001283009.2 (MANE Select); coding-DNA position 1723, G replaced by A.
Protein change: p.Ala575Thr; replaces alanine 575 with threonine.
Molecular consequence: missense variant. On other transcripts: non-coding transcript variant (1).
Genome position (GRCh38, 1-based): chr20:63,688,528, G>A. VCF-style: chr20-63688528-G-A. GRCh37 (hg19) VCF-style: chr20-62319881-G-A.
Other names: c.1054G>A, p.Ala352Thr (NM_001283010.1); c.1723G>A, p.Ala575Thr (NM_016434.4); c.1795G>A, p.Ala599Thr (NM_032957.5); short protein forms A599T, A352T, A575T.
Identifiers: ClinVar variation 3435919 (VCV003435919.1).

ClinVar aggregate classification (germline): Uncertain significance (1 of 4 stars; one submission).

Conditions:
Inborn genetic diseases. Identifiers: MedGen C0950123, MeSH D030342.

gnomAD v4.1: 38 of 1,610,240 alleles (0.0024%); highest among the groups gnomAD compares: Non-Finnish European, 0.0032%; no homozygotes.

Submission:

Ambry Genetics
Classification: Uncertain significance for Inborn genetic diseases. Last evaluated: 2024-12-07. Review status: criteria provided, single submitter. Criteria: Ambry Variant Classification Scheme 2023. Collection method: clinical testing. Allele origin: germline.
Comment: The p.A599T variant (also known as c.1795G>A) is located in coding exon 20 of the RTEL1 gene. The alanine at codon 599 is replaced by threonine, an amino acid with similar properties. This change occurs in the first base pair of coding exon 20. This amino acid position is conserved. In addition, this alteration is predicted to be tolerated by in silico analysis. Based on the available evidence, the clinical significance of this variant remains unclear.